The following is an entry in ClinVar:

ClinVar aggregate classification (germline): Uncertain significance (1 of 4 stars; one submission).

Conditions:
Epidermolysis bullosa simplex with nail dystrophy (EBS5D). Identifiers: MedGen C4225309, MONDO:0014661, OMIM 616487.
Epidermolysis bullosa simplex, Ogna type (EBS5A). Also called: Pidermolysis bullosa simplex 5A, Ogna type; EPIDERMOLYSIS BULLOSA SIMPLEX 5A, OGNA TYPE. Identifiers: Orphanet 79401, MedGen C0432317, MONDO:0007555, OMIM 131950.
Autosomal recessive limb-girdle muscular dystrophy type 2Q (LGMDR17). Also called: MUSCULAR DYSTROPHY, LIMB-GIRDLE, AUTOSOMAL RECESSIVE 17. Identifiers: Orphanet 254361, MedGen C3150989, MONDO:0013390, OMIM 613723.
Epidermolysis bullosa simplex 5B, with muscular dystrophy (EBS5B). Also called: EPIDERMOLYSIS BULLOSA SIMPLEX AND LIMB-GIRDLE MUSCULAR DYSTROPHY; Epidermolysis bullosa simplex with muscular dystrophy. Identifiers: Orphanet 257, MedGen C2931072, MONDO:0009181, OMIM 226670.
Epidermolysis bullosa simplex 5C, with pyloric atresia (EBS5C). Also called: PLEC-Related Epidermolysis Bullosa with Pyloric Atresia; Epidermolysis bullosa simplex with pyloric atresia; PLEC1-Related Epidermolysis Bullosa with Pyloric Atresia. Identifiers: Orphanet 158684, MedGen C2677349, MONDO:0012807, OMIM 612138.

Submission:

Labcorp Genetics (formerly Invitae), Labcorp
Classification: Uncertain significance for Autosomal recessive limb-girdle muscular dystrophy type 2Q; Epidermolysis bullosa simplex, Ogna type; Epidermolysis bullosa simplex with nail dystrophy; Epidermolysis bullosa simplex 5C, with pyloric atresia; Epidermolysis bullosa simplex 5B, with muscular dystrophy. Last evaluated: 2022-12-12. Review status: criteria provided, single submitter. Criteria: Invitae Variant Classification Sherloc (09022015). Collection method: clinical testing. Allele origin: germline.
Comment: This sequence change replaces lysine, which is basic and polar, with asparagine, which is neutral and polar, at codon 2821 of the PLEC protein (p.Lys2821Asn). This variant is not present in population databases (gnomAD no frequency). This variant has not been reported in the literature in individuals affected with PLEC-related conditions. Algorithms developed to predict the effect of missense changes on protein structure and function (SIFT, PolyPhen-2, Align-GVGD) all suggest that this variant is likely to be disruptive. In summary, the available evidence is currently insufficient to determine the role of this variant in disease. Therefore, it has been classified as a Variant of Uncertain Significance.

NM_201384.3(PLEC):c.8382G>C (p.Lys2794Asn)

Gene: PLEC (plectin; minus strand). Cytogenetic location: 8q24.3.
Variant type: single nucleotide variant.
Coding change: c.8382G>C on transcript NM_201384.3 (MANE Select); coding-DNA position 8382, G replaced by C.
Protein change: p.Lys2794Asn; replaces lysine 2794 with asparagine.
Molecular consequence: missense variant.
Genome position (GRCh38, 1-based): chr8:143,921,439, C>G on the plus strand (G>C on the coding strand, the complement: PLEC is on the minus strand). VCF-style: chr8-143921439-C-G. GRCh37 (hg19) VCF-style: chr8-144995607-C-G.
Other names: c.8463G>C, p.Lys2821Asn (NM_000445.5); c.5082G>C, p.Lys1694Asn (NM_001410941.1); c.8793G>C, p.Lys2931Asn (NM_201380.4); c.8286G>C, p.Lys2762Asn (NM_201381.3); c.8382G>C, p.Lys2794Asn (NM_201382.4); c.8394G>C, p.Lys2798Asn (NM_201383.3); c.8340G>C, p.Lys2780Asn (NM_201378.4); c.8316G>C, p.Lys2772Asn (NM_201379.3); short protein forms K2762N, K2780N, K2794N, K2821N, K2931N, K1694N, K2772N, K2798N.
Identifiers: ClinVar variation 2942224 (VCV002942224.3), dbSNP rs2537471328, ClinGen allele CA372516147.